The following is an entry in ClinVar:

Conditions:
Long QT syndrome 5 (LQT5). Identifiers: Orphanet 101016, Orphanet 768, MedGen C1867904, MONDO:0013372, OMIM 613695.

Submission:

Roden Lab, Vanderbilt University Medical Center
No classification provided (evidence only). Condition: Long QT syndrome 5. Review status: no classification provided. Collection method: in vitro. Allele origin: not applicable. Functional consequence: Effect on ion channel function.
ClinVar note: "not provided" was previously submitted as the classification for the variant. However, the classification appeared to be based only on an observation of functional data so it was converted to no classification on 2025-07-30.

NM_000219.6(KCNE1):c.232T>G (p.Phe78Val)

Gene: KCNE1 (potassium voltage-gated channel subfamily E regulatory subunit 1; minus strand). Cytogenetic location: 21q22.12.
Variant type: single nucleotide variant.
Coding change: c.232T>G on transcript NM_000219.6 (MANE Select); coding-DNA position 232, T replaced by G.
Protein change: p.Phe78Val; replaces phenylalanine 78 with valine.
Molecular consequence: missense variant.
Genome position (GRCh38, 1-based): chr21:34,449,403, A>C on the plus strand (T>G on the coding strand, the complement: KCNE1 is on the minus strand). VCF-style: chr21-34449403-A-C. GRCh37 (hg19) VCF-style: chr21-35821701-A-C.
Other names: c.232T>G, p.Phe78Val (NM_001127668.4, NM_001127669.4, NM_001127670.4 and 4 more transcripts); short protein forms F78V.
Identifiers: ClinVar variation 3374393 (VCV003374393.2).